The following is an entry in ClinVar:

NM_014679.5(CEP57):c.381A>C (p.Gln127His)

Gene: CEP57 (centrosomal protein 57; plus strand). Cytogenetic location: 11q21.
Variant type: single nucleotide variant.
Coding change: c.381A>C on transcript NM_014679.5 (MANE Select); coding-DNA position 381, A replaced by C.
Protein change: p.Gln127His; replaces glutamine 127 with histidine.
Molecular consequence: missense variant.
Genome position (GRCh38, 1-based): chr11:95,813,110, A>C. VCF-style: chr11-95813110-A-C. GRCh37 (hg19) VCF-style: chr11-95546274-A-C.
Other names: c.354A>C, p.Gln118His (NM_001243776.2); c.381A>C, p.Gln127His (NM_001243777.2); c.300A>C, p.Gln100His (NM_001363604.2); short protein forms Q118H, Q100H, Q127H.
Identifiers: ClinVar variation 2908578 (VCV002908578.3), dbSNP rs2496222362, ClinGen allele CA382421273.

ClinVar aggregate classification (germline): Uncertain significance (1 of 4 stars; one submission).

Conditions:
Mosaic variegated aneuploidy syndrome 2 (MVA2). Identifiers: Orphanet 1052, MedGen C3279843, MONDO:0013582, OMIM 614114.

Allele frequency attached by ClinVar (database versions not stated): gnomAD exomes below 0.00001.
gnomAD v4.1: 1 of 1,612,170 alleles (0.000062%); highest among the groups gnomAD compares: African/African-American, 0.0013%; no homozygotes.

Submission:

Labcorp Genetics (formerly Invitae), Labcorp
Classification: Uncertain significance for Mosaic variegated aneuploidy syndrome 2. Last evaluated: 2023-08-05. Review status: criteria provided, single submitter. Criteria: Invitae Variant Classification Sherloc (09022015). Collection method: clinical testing. Allele origin: germline.
Comment: An algorithm developed to predict the effect of missense changes on protein structure and function (PolyPhen-2) suggests that this variant is likely to be disruptive. In summary, the available evidence is currently insufficient to determine the role of this variant in disease. Therefore, it has been classified as a Variant of Uncertain Significance. This variant has not been reported in the literature in individuals affected with CEP57-related conditions. This variant is not present in population databases (gnomAD no frequency). This sequence change replaces glutamine, which is neutral and polar, with histidine, which is basic and polar, at codon 127 of the CEP57 protein (p.Gln127His).